The following is an entry in ClinVar:

ClinVar aggregate classification (germline): Uncertain significance (1 of 4 stars; one submission).

Allele frequency attached by ClinVar (database versions not stated): gnomAD exomes 0.00003; ExAC 0.00008; gnomAD 0.00009; ESP Exome Variant Server 0.00015; TOPMed 0.00016; 1000 Genomes Project 0.00080; 1000 Genomes Project 30x 0.00109.
gnomAD v4.1: 60 of 1,613,796 alleles (0.0037%); highest among the groups gnomAD compares: Middle Eastern, 0.033%; no homozygotes.

Submission:

Labcorp Genetics (formerly Invitae), Labcorp
Classification: Uncertain significance. Last evaluated: 2025-08-06. Review status: criteria provided, single submitter. Criteria: Invitae Variant Classification Sherloc (09022015). Collection method: clinical testing. Allele origin: germline.
Comment: This sequence change replaces valine, which is neutral and non-polar, with methionine, which is neutral and non-polar, at codon 526 of the AP3D1 protein (p.Val526Met). This variant is present in population databases (rs369318068, gnomAD 0.03%). This variant has not been reported in the literature in individuals affected with AP3D1-related conditions. ClinVar contains an entry for this variant (Variation ID: 2428276). An algorithm developed to predict the effect of missense changes on protein structure and function outputs the following: PolyPhen-2: "Benign". The methionine amino acid residue is found in multiple mammalian species, which suggests that this missense change does not adversely affect protein function. In summary, the available evidence is currently insufficient to determine the role of this variant in disease. Therefore, it has been classified as a Variant of Uncertain Significance.

NM_001261826.3(AP3D1):c.1576G>A (p.Val526Met)

Gene: AP3D1 (adaptor related protein complex 3 subunit delta 1; minus strand). Cytogenetic location: 19p13.3.
Variant type: single nucleotide variant.
Coding change: c.1576G>A on transcript NM_001261826.3 (MANE Select); coding-DNA position 1576, G replaced by A.
Protein change: p.Val526Met; replaces valine 526 with methionine.
Molecular consequence: missense variant.
Genome position (GRCh38, 1-based): chr19:2,118,738, C>T on the plus strand (G>A on the coding strand, the complement: AP3D1 is on the minus strand). VCF-style: chr19-2118738-C-T. GRCh37 (hg19) VCF-style: chr19-2118737-C-T.
Other names: c.1576G>A, p.Val526Met (NM_001374799.1, NM_003938.8); short protein forms V526M.
Identifiers: ClinVar variation 2428276 (VCV002428276.6), dbSNP rs369318068, ClinGen allele CA9059274.